The following is an entry in ClinVar:

NM_001077350.3(NPRL3):c.925-2A>G

Genes: HBA-LCR (alpha-globin locus control region; plus strand), NPRL3 (NPR3 like, GATOR1 complex subunit; minus strand). Cytogenetic location: 16p13.3.
Variant type: single nucleotide variant.
Coding change: c.925-2A>G on transcript NM_001077350.3 (MANE Select); the canonical splice acceptor site of the intron before coding-DNA position 925, A replaced by G.
Molecular consequence: splice acceptor variant.
Genome position (GRCh38, 1-based): chr16:93,327, T>C on the plus strand (A>G on the coding strand, the complement: NPRL3 is on the minus strand). VCF-style: chr16-93327-T-C. GRCh37 (hg19) VCF-style: chr16-143325-T-C.
Other names: c.691-2A>G (NM_001243247.2); c.850-2A>G (NM_001243248.2, NM_001243249.2); c.388-2A>G (NM_001039476.3).
Identifiers: ClinVar variation 579716 (VCV000579716.10), dbSNP rs1431914212, ClinGen allele CA394053862.

ClinVar aggregate classification (germline): Likely pathogenic (1 of 4 stars; one submission).

Conditions:
Epilepsy, familial focal, with variable foci 3 (FFEVF3). Identifiers: MedGen C4310708, MONDO:0014925, OMIM 617118.

gnomAD v4.1: 1 of 1,548,436 alleles (0.000065%); highest among the groups gnomAD compares: South Asian, 0.0012%; no homozygotes.

Submission:

Labcorp Genetics (formerly Invitae), Labcorp
Classification: Likely pathogenic for Epilepsy, familial focal, with variable foci 3. Last evaluated: 2022-03-27. Review status: criteria provided, single submitter. Criteria: Invitae Variant Classification Sherloc (09022015). Collection method: clinical testing. Allele origin: germline.
Comment: ClinVar contains an entry for this variant (Variation ID: 579716). Algorithms developed to predict the effect of sequence changes on RNA splicing suggest that this variant may disrupt the consensus splice site. This variant has not been reported in the literature in individuals affected with NPRL3-related conditions. This variant is present in population databases (no rsID available, gnomAD 0.004%). This sequence change affects an acceptor splice site in intron 9 of the NPRL3 gene. It is expected to disrupt RNA splicing. Variants that disrupt the donor or acceptor splice site typically lead to a loss of protein function (PMID: 16199547), and loss-of-function variants in NPRL3 are known to be pathogenic (PMID: 26285051, 26505888). In summary, the currently available evidence indicates that the variant is pathogenic, but additional data are needed to prove that conclusively. Therefore, this variant has been classified as Likely Pathogenic.

Literature cited by the submitters: PubMed 16199547; PubMed 26285051; PubMed 26505888.